The following is an entry in ClinVar:

ClinVar aggregate classification (germline): Uncertain significance (1 of 4 stars; one submission).

gnomAD v4.1: 11 of 1,613,666 alleles (0.00068%); highest among the groups gnomAD compares: South Asian, 0.0033%; no homozygotes.

Submission:

Women's Health and Genetics/Laboratory Corporation of America, LabCorp
Classification: Uncertain significance. Last evaluated: 2025-10-28. Review status: criteria provided, single submitter. Criteria: LabCorp Variant Classification Summary - May 2015. Collection method: clinical testing. Allele origin: germline.
Comment: Variant summary: APP c.1939G>A (p.Asp647Asn) results in a conservative amino acid change in the encoded protein sequence. Algorithms developed to predict the effect of missense changes on protein structure and function are either unavailable or do not agree on the potential impact of this missense change. The variant allele was found at a frequency of 8e-06 in 250594 control chromosomes. The available data on variant occurrences in the general population are insufficient to allow any conclusion about variant significance. To our knowledge, no occurrence of c.1939G>A in individuals affected with APP-related conditions and no experimental evidence demonstrating its impact on protein function have been reported. No submitters have cited clinical-significance assessments for this variant to ClinVar. Based on the evidence outlined above, the variant was classified as uncertain significance.

NM_000484.4(APP):c.1939G>A (p.Asp647Asn)

Gene: APP (amyloid beta precursor protein; minus strand). Cytogenetic location: 21q21.3.
Variant type: single nucleotide variant.
Coding change: c.1939G>A on transcript NM_000484.4 (MANE Select); coding-DNA position 1939, G replaced by A.
Protein change: p.Asp647Asn; replaces aspartic acid 647 with asparagine.
Molecular consequence: missense variant. On other transcripts: intron variant (3).
Genome position (GRCh38, 1-based): chr21:25,905,048, C>T on the plus strand (G>A on the coding strand, the complement: APP is on the minus strand). VCF-style: chr21-25905048-C-T. GRCh37 (hg19) VCF-style: chr21-27277360-C-T.
Other names: c.1546G>A, p.Asp516Asn (NM_001136129.3); c.1771G>A, p.Asp591Asn (NM_001136130.3, NM_001385253.1); c.1609G>A, p.Asp537Asn (NM_001136131.3); c.1882G>A, p.Asp628Asn (NM_201413.3); c.1714G>A, p.Asp572Asn (NM_201414.3); c.1684+6693G>A (NM_001204303.2); c.1852+6693G>A (NM_001204302.2); c.1909+6693G>A (NM_001204301.2); and 1 more; short protein forms D516N, D537N, D572N, D591N, D623N, D628N, D647N.
Identifiers: ClinVar variation 4687687 (VCV004687687.1).